The following is an entry in ClinVar:

ClinVar aggregate classification (germline): Uncertain significance (1 of 4 stars; one submission).

Conditions:
Rubinstein-Taybi syndrome (RSTS). Identifiers: Orphanet 783, MedGen C0035934, MONDO:0019188.

gnomAD v4.1: 1 of 1,579,620 alleles (0.000063%); highest among the groups gnomAD compares: African/African-American, 0.0013%; no homozygotes.

Submission:

Labcorp Genetics (formerly Invitae), Labcorp
Classification: Uncertain significance for Rubinstein-Taybi syndrome. Last evaluated: 2025-09-25. Review status: criteria provided, single submitter. Criteria: Invitae Variant Classification Sherloc (09022015). Collection method: clinical testing. Allele origin: germline.
Comment: This sequence change replaces proline, which is neutral and non-polar, with leucine, which is neutral and non-polar, at codon 1905 of the CREBBP protein (p.Pro1905Leu). This variant is present in population databases (no rsID available, gnomAD 0.01%). This variant has not been reported in the literature in individuals affected with CREBBP-related conditions. Invitae Evidence Modeling of protein sequence and biophysical properties (such as structural, functional, and spatial information, amino acid conservation, physicochemical variation, residue mobility, and thermodynamic stability) indicates that this missense variant is not expected to disrupt CREBBP protein function with a negative predictive value of 95%. In summary, the available evidence is currently insufficient to determine the role of this variant in disease. Therefore, it has been classified as a Variant of Uncertain Significance.

NM_004380.3(CREBBP):c.5714C>T (p.Pro1905Leu)

Gene: CREBBP (CREB binding lysine acetyltransferase; minus strand). Cytogenetic location: 16p13.3.
Variant type: single nucleotide variant.
Coding change: c.5714C>T on transcript NM_004380.3 (MANE Select); coding-DNA position 5714, C replaced by T.
Protein change: p.Pro1905Leu; replaces proline 1905 with leucine.
Molecular consequence: missense variant.
Genome position (GRCh38, 1-based): chr16:3,729,333, G>A on the plus strand (C>T on the coding strand, the complement: CREBBP is on the minus strand). VCF-style: chr16-3729333-G-A. GRCh37 (hg19) VCF-style: chr16-3779334-G-A.
Other names: c.5600C>T, p.Pro1867Leu (NM_001079846.1); short protein forms P1905L, P1867L.
Identifiers: ClinVar variation 4747489 (VCV004747489.1).